The following is an entry in ClinVar:

NM_001040142.2(SCN2A):c.2430A>G (p.Ile810Met)

Gene: SCN2A (sodium voltage-gated channel alpha subunit 2; plus strand). Cytogenetic location: 2q24.3.
Variant type: single nucleotide variant.
Coding change: c.2430A>G on transcript NM_001040142.2 (MANE Select); coding-DNA position 2430, A replaced by G.
Protein change: p.Ile810Met; replaces isoleucine 810 with methionine.
Molecular consequence: missense variant.
Genome position (GRCh38, 1-based): chr2:165,342,337, A>G. VCF-style: chr2-165342337-A-G. GRCh37 (hg19) VCF-style: chr2-166198847-A-G.
Other names: c.2430A>G, p.Ile810Met (NM_001040143.2, NM_001371246.1, NM_001371247.1 and 1 more transcripts); short protein forms I810M.
Identifiers: ClinVar variation 4789340 (VCV004789340.1).

ClinVar aggregate classification (germline): Uncertain significance (1 of 4 stars; one submission).

Conditions:
Developmental and epileptic encephalopathy, 11 (DEE11). Also called: Early infantile epileptic encephalopathy 11. Identifiers: Orphanet 1934, MedGen C3150987, MONDO:0013388, OMIM 613721.
Seizures, benign familial infantile, 3 (BFIS3). Also called: CONVULSIONS, BENIGN FAMILIAL INFANTILE, 3; Familial neonatal seizures. Identifiers: Orphanet 140927, Orphanet 306, MedGen C1843140, MONDO:0011904, OMIM 607745.

Submission:

Labcorp Genetics (formerly Invitae), Labcorp
Classification: Uncertain significance for Seizures, benign familial infantile, 3; Developmental and epileptic encephalopathy, 11. Last evaluated: 2025-10-24. Review status: criteria provided, single submitter. Criteria: Invitae Variant Classification Sherloc (09022015). Collection method: clinical testing. Allele origin: germline.
Comment: This sequence change replaces isoleucine, which is neutral and non-polar, with methionine, which is neutral and non-polar, at codon 810 of the SCN2A protein (p.Ile810Met). This variant is not present in population databases (gnomAD no frequency). This variant has not been reported in the literature in individuals affected with SCN2A-related conditions. Invitae Evidence Modeling of protein sequence and biophysical properties (such as structural, functional, and spatial information, amino acid conservation, physicochemical variation, residue mobility, and thermodynamic stability) indicates that this missense variant is expected to disrupt SCN2A protein function with a positive predictive value of 80%. In summary, the available evidence is currently insufficient to determine the role of this variant in disease. Therefore, it has been classified as a Variant of Uncertain Significance.